The following is an entry in ClinVar:

ClinVar aggregate classification (germline): Uncertain significance (1 of 4 stars; one submission).

Conditions:
Very long chain acyl-CoA dehydrogenase deficiency (ACADVLD). Also called: VLCAD Deficiency; Very Long-Chain Acyl-Coenzyme A Dehydrogenase Deficiency. Identifiers: Orphanet 26793, MedGen C3887523, MONDO:0008723, OMIM 201475.

Allele frequency attached by ClinVar (database versions not stated): gnomAD exomes 0.00001; TOPMed 0.00001; ExAC 0.00002; ESP Exome Variant Server 0.00008.
gnomAD v4.1: 8 of 1,614,028 alleles (0.0005%); highest among the groups gnomAD compares: South Asian, 0.0011%; no homozygotes.

Submission:

Labcorp Genetics (formerly Invitae), Labcorp
Classification: Uncertain significance for Very long chain acyl-CoA dehydrogenase deficiency. Last evaluated: 2023-11-15. Review status: criteria provided, single submitter. Criteria: Invitae Variant Classification Sherloc (09022015). Collection method: clinical testing. Allele origin: germline.
Comment: This sequence change replaces glutamic acid, which is acidic and polar, with lysine, which is basic and polar, at codon 504 of the ACADVL protein (p.Glu504Lys). This variant is present in population databases (rs376795010, gnomAD 0.01%). This variant has not been reported in the literature in individuals affected with ACADVL-related conditions. ClinVar contains an entry for this variant (Variation ID: 2051701). Advanced modeling of protein sequence and biophysical properties (such as structural, functional, and spatial information, amino acid conservation, physicochemical variation, residue mobility, and thermodynamic stability) performed at Invitae indicates that this missense variant is expected to disrupt ACADVL protein function with a positive predictive value of 95%. In summary, the available evidence is currently insufficient to determine the role of this variant in disease. Therefore, it has been classified as a Variant of Uncertain Significance.

NM_000018.4(ACADVL):c.1510G>A (p.Glu504Lys)

Gene: ACADVL (acyl-CoA dehydrogenase very long chain; plus strand). Cytogenetic location: 17p13.1.
Variant type: single nucleotide variant.
Coding change: c.1510G>A on transcript NM_000018.4 (MANE Select); coding-DNA position 1510, G replaced by A.
Protein change: p.Glu504Lys; replaces glutamic acid 504 with lysine.
Molecular consequence: missense variant.
Genome position (GRCh38, 1-based): chr17:7,224,221, G>A. VCF-style: chr17-7224221-G-A. GRCh37 (hg19) VCF-style: chr17-7127540-G-A.
Other names: c.1444G>A, p.Glu482Lys (NM_001033859.3); c.1579G>A, p.Glu527Lys (NM_001270447.2); c.1282G>A, p.Glu428Lys (NM_001270448.2); short protein forms E527K, E482K, E504K, E428K.
Identifiers: ClinVar variation 2051701 (VCV002051701.3), dbSNP rs376795010, ClinGen allele CA8338135.